The following is an entry in ClinVar:

NM_001282860.2(GON4L):c.2702A>G (p.Gln901Arg)

Gene: GON4L (gon-4 like; minus strand). Cytogenetic location: 1q22.
Variant type: single nucleotide variant.
Coding change: c.2702A>G on transcript NM_001282860.2 (MANE Select); coding-DNA position 2702, A replaced by G.
Protein change: p.Gln901Arg; replaces glutamine 901 with arginine.
Molecular consequence: missense variant.
Genome position (GRCh38, 1-based): chr1:155,767,486, T>C on the plus strand (A>G on the coding strand, the complement: GON4L is on the minus strand). VCF-style: chr1-155767486-T-C. GRCh37 (hg19) VCF-style: chr1-155737277-T-C.
Other names: c.2702A>G, p.Gln901Arg (NM_001282856.2, NM_001282858.2, NM_001282861.2 and 1 more transcripts); short protein forms Q901R.
Identifiers: ClinVar variation 4980561 (VCV004980561.1).

ClinVar aggregate classification (germline): Likely benign (1 of 4 stars; one submission).

Conditions:
GON4L-related disorder. Also called: GON4L-related condition.

gnomAD v4.1: 3,876 of 1,612,192 alleles (0.24%); highest among the groups gnomAD compares: South Asian, 0.29%; 12 homozygotes.

Submission:

PreventionGenetics, part of Exact Sciences
Classification: Likely benign for GON4L-related condition. Last evaluated: 2025-12-26. Review status: criteria provided, single submitter. Criteria: ACMG Guidelines, 2015. Collection method: clinical testing. Allele origin: germline.
Comment: This variant is classified as likely benign based on ACMG/AMP sequence variant interpretation guidelines (Richards et al. 2015 PMID: 25741868, with internal and published modifications).